The following is an entry in ClinVar:

ClinVar aggregate classification (germline): Benign (0 of 4 stars; one submission).

Submission:

ISCA site 7
Classification: Benign. Last evaluated: 2017-08-28. Review status: no assertion criteria provided. Collection method: clinical testing. Allele origin: unknown. Affected: yes. Observed: 1 variant allele.
Comment: This deletion, which includes only the 5' exons of KANSL1, is detected in approximately 5% of clinical microarray cases and in similar frequencies in control populations (DGV). Duplications are even more frequent (20% range). In contrast, pathogenic KANSL1 deletions detected by microarray typically include the entire gene and are extremely rare (1/10,000 in our clinical database). These observations likely have something to do with high complexity in the region (segmental duplications and sequence repeats).

Copy number variation identified through the course of routine clinical cytogenomic testing in postnatal populations, with clinical assertions as classified by the original submitter.

GRCh38/hg38 17q21.31(chr17:46111105-46291496)x1

Genes: ARL17B (ADP ribosylation factor like GTPase 17B; minus strand), KANSL1 (KAT8 regulatory NSL complex subunit 1), KANSL1-AS1 (KANSL1 antisense RNA 1), LRRC37A (leucine rich repeat containing 37A), LOC126862577 (P300/CBP strongly-dependent group 1 enhancer GRCh37_chr17:44361168-44362367; plus strand) and 1 more. Cytogenetic location: 17q21.31.
Variant type: copy number loss.
Change: copy number 1 (one copy instead of two) of chr17:46,111,105-46,291,496 (180.4 kb, GRCh38 coordinates, 1-based), cytogenetic band 17q21.31.
Identifiers: ClinVar variation 146940 (VCV000146940.3).